The following is an entry in ClinVar:

NM_021942.6(TRAPPC11):c.1396G>A (p.Ala466Thr)

Gene: TRAPPC11 (trafficking protein particle complex subunit 11; plus strand). Cytogenetic location: 4q35.1.
Variant type: single nucleotide variant.
Coding change: c.1396G>A on transcript NM_021942.6 (MANE Select); coding-DNA position 1396, G replaced by A.
Protein change: p.Ala466Thr; replaces alanine 466 with threonine.
Molecular consequence: missense variant.
Genome position (GRCh38, 1-based): chr4:183,684,334, G>A. VCF-style: chr4-183684334-G-A. GRCh37 (hg19) VCF-style: chr4-184605487-G-A.
Other names: p.Ala466Thr; c.1396G>A, p.Ala466Thr (NM_199053.3); c.1396G>A (NM_021942.5); short protein forms A466T.
Identifiers: ClinVar variation 1485613 (VCV001485613.11), dbSNP rs756747035, ClinGen allele CA3151905.

ClinVar aggregate classification (germline): Uncertain significance. Review status: criteria provided, multiple submitters, no conflicts (2 of 4 stars). 3 submissions from 3 submitters: Uncertain significance (3). Last evaluated 2026-01-12.

Conditions:
Autosomal recessive limb-girdle muscular dystrophy type R18 (LGMDR18). Also called: MUSCULAR DYSTROPHY, LIMB-GIRDLE, AUTOSOMAL RECESSIVE 18; Autosomal recessive limb-girdle muscular dystrophy type 2S; Limb-girdle muscular dystrophy, type 2S. Identifiers: Orphanet 369840, MedGen C4517996, MONDO:0014144, OMIM 615356.

Allele frequency attached by ClinVar (database versions not stated): gnomAD exomes below 0.00001; ExAC 0.00001; gnomAD 0.00001; TOPMed 0.00002.
gnomAD v4.1: 7 of 1,613,302 alleles (0.00043%); highest among the groups gnomAD compares: Non-Finnish European, 0.00051%; no homozygotes.

Submissions (3):

Labcorp Genetics (formerly Invitae), Labcorp
Classification: Uncertain significance for Autosomal recessive limb-girdle muscular dystrophy type R18. Last evaluated: 2026-01-12. Review status: criteria provided, single submitter. Criteria: Invitae Variant Classification Sherloc (09022015). Collection method: clinical testing. Allele origin: germline.
Comment: This sequence change replaces alanine, which is neutral and non-polar, with threonine, which is neutral and polar, at codon 466 of the TRAPPC11 protein (p.Ala466Thr). This variant is present in population databases (rs756747035, gnomAD 0.0009%). This variant has not been reported in the literature in individuals affected with TRAPPC11-related conditions. ClinVar contains an entry for this variant (Variation ID: 1485613). Invitae Evidence Modeling of protein sequence and biophysical properties (such as structural, functional, and spatial information, amino acid conservation, physicochemical variation, residue mobility, and thermodynamic stability) indicates that this missense variant is expected to disrupt TRAPPC11 protein function with a positive predictive value of 80%. In summary, the available evidence is currently insufficient to determine the role of this variant in disease. Therefore, it has been classified as a Variant of Uncertain Significance.

Mayo Clinic Laboratories, Mayo Clinic
Classification: Uncertain significance. Last evaluated: 2024-07-30. Review status: criteria provided, single submitter. Criteria: ACMG Guidelines, 2015. Collection method: clinical testing. Allele origin: germline. Observed: 1 variant allele.
Comment: BP4_moderate, PM2

Revvity Omics, Revvity
Classification: Uncertain significance for Autosomal recessive limb-girdle muscular dystrophy type R18. Last evaluated: 2019-03-22. Review status: criteria provided, single submitter. Criteria: ACMG Guidelines, 2015. Collection method: clinical testing. Allele origin: germline.